The following is an entry in ClinVar:

ClinVar aggregate classification (germline): Uncertain significance (1 of 4 stars; one submission).

Allele frequency attached by ClinVar (database versions not stated): gnomAD 0.00003; TOPMed 0.00003; ExAC 0.00006; ESP Exome Variant Server 0.00008.
gnomAD v4.1: 64 of 1,613,082 alleles (0.004%); highest among the groups gnomAD compares: Non-Finnish European, 0.0046%; no homozygotes.

Submission:

Labcorp Genetics (formerly Invitae), Labcorp
Classification: Uncertain significance. Last evaluated: 2025-10-14. Review status: criteria provided, single submitter. Criteria: Invitae Variant Classification Sherloc (09022015). Collection method: clinical testing. Allele origin: germline.
Comment: This sequence change replaces arginine, which is basic and polar, with tryptophan, which is neutral and slightly polar, at codon 182 of the DZIP1L protein (p.Arg182Trp). This variant is present in population databases (rs372740940, gnomAD 0.01%). This variant has not been reported in the literature in individuals affected with DZIP1L-related conditions. ClinVar contains an entry for this variant (Variation ID: 2166480). An algorithm developed to predict the effect of missense changes on protein structure and function (PolyPhen-2) suggests that this variant is likely to be tolerated. In summary, the available evidence is currently insufficient to determine the role of this variant in disease. Therefore, it has been classified as a Variant of Uncertain Significance.

NM_173543.3(DZIP1L):c.544C>T (p.Arg182Trp)

Gene: DZIP1L (DAZ interacting zinc finger protein 1 like; minus strand). Cytogenetic location: 3q22.3.
Variant type: single nucleotide variant.
Coding change: c.544C>T on transcript NM_173543.3 (MANE Select); coding-DNA position 544, C replaced by T.
Protein change: p.Arg182Trp; replaces arginine 182 with tryptophan.
Molecular consequence: missense variant.
Genome position (GRCh38, 1-based): chr3:138,097,805, G>A on the plus strand (C>T on the coding strand, the complement: DZIP1L is on the minus strand). VCF-style: chr3-138097805-G-A. GRCh37 (hg19) VCF-style: chr3-137816647-G-A.
Other names: c.544C>T, p.Arg182Trp (NM_001170538.1); short protein forms R182W.
Identifiers: ClinVar variation 2166480 (VCV002166480.2), dbSNP rs372740940, ClinGen allele CA2635243.
Genomic context (GRCh38, chr3:138,097,805, plus strand): 5'-GCTGCTGTCTGGACTCACCACCTTCTGCCACGCCTGCATGCCTGCGCTGGATGTGGCCCC[G>A]GAGAAAGGTGGCATTCATGAATGTCTTGTCACACAGGTGGCACTATACAGAGAGGAAGCA-3'
Protein context (NP_775814.2, residues 172-192): DKTFMNATFL[Arg182Trp]GHIQRRHAGV